The following is an entry in ClinVar:

ClinVar aggregate classification (germline): Pathogenic (1 of 4 stars; one submission).

Conditions:
3-Oxo-5 alpha-steroid delta 4-dehydrogenase deficiency (PPSH). Also called: MALE PSEUDOHERMAPHRODITISM DUE TO 5-ALPHA-REDUCTASE DEFICIENCY; FAMILIAL INCOMPLETE MALE PSEUDOHERMAPHRODITISM, TYPE 2; PSEUDOVAGINAL PERINEOSCROTAL HYPOSPADIAS; 46,XY disorder of sex development due to 5-alpha-reductase 2 deficiency. Identifiers: Orphanet 753, MedGen C0268297, MONDO:0009923, OMIM 264600. Disease mechanism: loss of function.

Submission:

Labcorp Genetics (formerly Invitae), Labcorp
Classification: Pathogenic for 3-Oxo-5 alpha-steroid delta 4-dehydrogenase deficiency. Last evaluated: 2023-08-08. Review status: criteria provided, single submitter. Criteria: Invitae Variant Classification Sherloc (09022015). Collection method: clinical testing. Allele origin: germline.
Comment: For these reasons, this variant has been classified as Pathogenic. This variant disrupts the p.Arg246 amino acid residue in SRD5A2. Other variant(s) that disrupt this residue have been determined to be pathogenic (PMID: 1522235, 20493473, 26446026). This suggests that this residue is clinically significant, and that variants that disrupt this residue are likely to be disease-causing. A similar copy number variant has been observed in individual(s) with clinical features of SRD5A2-related conditions (Invitae). In at least one individual the data is consistent with being in trans (on the opposite chromosome) from a pathogenic variant. This variant is a gross deletion of the genomic region encompassing exon(s) 2-5 of the SRD5A2 gene, which includes the termination codon. This deletion extends beyond the assayed region for this gene and therefore may encompass additional genes. While this deletion is not anticipated to lead to nonsense mediated decay, it is expected to alter mRNA translation or result in a truncated protein product.

Literature cited by the submitters: PubMed 1522235; PubMed 20493473; PubMed 26446026.

NC_000002.11:g.(?_31751266)_(31758856_?)del

Gene: SRD5A2 (steroid 5 alpha-reductase 2; minus strand). Cytogenetic location: 2p23.1.
Variant type: Deletion.
Identifiers: ClinVar variation 1454899 (VCV001454899.6).